The following is an entry in ClinVar:

ClinVar aggregate classification (germline): Benign/Likely benign. Review status: criteria provided, multiple submitters, no conflicts (2 of 4 stars). 3 submissions from 3 submitters: Benign (1); Likely benign (1). 1 of the submissions does not count toward it. Last evaluated 2026-02-13.

Conditions:
ZNF341-related disorder. Also called: ZNF341-related condition.

Allele frequency attached by ClinVar (database versions not stated): gnomAD 0.00047 and 0.00050; TOPMed 0.00055; ESP Exome Variant Server 0.00062; ExAC 0.00063.

Submissions (3):

Women's Health and Genetics/Laboratory Corporation of America, LabCorp
Classification: Likely benign. Last evaluated: 2026-02-13. Review status: criteria provided, single submitter. Criteria: LabCorp Variant Classification Summary - May 2015. Collection method: clinical testing. Allele origin: germline.
Comment: Variant summary: ZNF341 c.244G>A (p.Ala82Thr) results in a non-conservative amino acid change in the encoded protein sequence. Algorithms developed to predict the effect of missense changes on protein structure and function are either unavailable or do not agree on the potential impact of this missense change. The variant allele was found at a frequency of 0.00082 in 251432 control chromosomes, predominantly at a frequency of 0.017 within the Ashkenazi Jewish subpopulation in the gnomAD database, including 1 homozygotes. The observed variant frequency within Ashkenazi Jewish control individuals in the gnomAD database exceeds the estimated maximal expected allele frequency for disease-causing variants in ZNF341. To our knowledge, no occurrence of c.244G>A in individuals affected with ZNF341-related conditions and no experimental evidence demonstrating its impact on protein function have been reported. ClinVar contains an entry for this variant (Variation ID: 1166159). Based on the evidence outlined above, the variant was classified as likely benign.

Labcorp Genetics (formerly Invitae), Labcorp
Classification: Benign. Last evaluated: 2026-01-26. Review status: criteria provided, single submitter. Criteria: Invitae Variant Classification Sherloc (09022015). Collection method: clinical testing. Allele origin: germline.

PreventionGenetics, part of Exact Sciences
Classification: Benign for ZNF341-related condition. Last evaluated: 2019-07-10. Review status: no assertion criteria provided. Collection method: clinical testing. Allele origin: germline. Not counted in ClinVar's aggregate classification.
Comment: This variant is classified as benign based on ACMG/AMP sequence variant interpretation guidelines (Richards et al. 2015 PMID: 25741868, with internal and published modifications).

NM_001282933.2(ZNF341):c.244G>A (p.Ala82Thr)

Gene: ZNF341 (zinc finger protein 341; plus strand). Cytogenetic location: 20q11.22.
Variant type: single nucleotide variant.
Coding change: c.244G>A on transcript NM_001282933.2 (MANE Select); coding-DNA position 244, G replaced by A.
Protein change: p.Ala82Thr; replaces alanine 82 with threonine.
Molecular consequence: missense variant. On other transcripts: non-coding transcript variant (1), intron variant (1).
Genome position (GRCh38, 1-based): chr20:33,745,204, G>A. VCF-style: chr20-33745204-G-A. GRCh37 (hg19) VCF-style: chr20-32333010-G-A.
Other names: c.244G>A (NM_001282933.1); c.244G>A, p.Ala82Thr (NM_032819.5); c.70-3719G>A (NM_001282935.2); short protein forms A82T.
Identifiers: ClinVar variation 1166159 (VCV001166159.12), dbSNP rs144533858, ClinGen allele CA9819108.